The following is an entry in ClinVar:

NM_147127.5(EVC2):c.2424G>C (p.Gln808His)

Gene: EVC2 (EvC ciliary complex subunit 2; minus strand). Cytogenetic location: 4p16.2.
Variant type: single nucleotide variant.
Coding change: c.2424G>C on transcript NM_147127.5 (MANE Select); coding-DNA position 2424, G replaced by C.
Protein change: p.Gln808His; replaces glutamine 808 with histidine.
Molecular consequence: missense variant.
Genome position (GRCh38, 1-based): chr4:5,622,614, C>G on the plus strand (G>C on the coding strand, the complement: EVC2 is on the minus strand). VCF-style: chr4-5622614-C-G. GRCh37 (hg19) VCF-style: chr4-5624341-C-G.
Other names: c.2184G>C, p.Gln728His (NM_001166136.2); short protein forms Q728H, Q808H.
Identifiers: ClinVar variation 1398259 (VCV001398259.6), dbSNP rs541956407, ClinGen allele CA2834727.
Genomic context (GRCh38, chr4:5,622,614, plus strand): 5'-CCAGCGTCGCAGCTCTGCCTGCTCCTCTGTCACGGCCTCAGGAGCGTCATCCTTCAGTCT[C>G]TGCCTCACGCTCTGGACACCCTCCTGGTCCCTGTCCCTCTCCTCCCCCTCCAGCTGCTCG-3'
Protein context (NP_667338.3, residues 798-818): RDQEGVQSVR[Gln808His]RLKDDAPEAV

ClinVar aggregate classification (germline): Uncertain significance (1 of 4 stars; one submission).

Conditions:
Ellis-van Creveld syndrome (EVC). Also called: EVC-Related Ellis-van Creveld Syndrome; EVC2-Related Ellis-van Creveld Syndrome; Chondroectodermal dysplasia; MESOECTODERMAL DYSPLASIA. Identifiers: Orphanet 289, MedGen C0013903, MONDO:0009162, OMIM 225500.
Curry-Hall syndrome (WAD). Also called: WEYERS ACRODENTAL DYSOSTOSIS. Identifiers: Orphanet 952, MedGen C0457013, MONDO:0008673, OMIM 193530.

Allele frequency attached by ClinVar (database versions not stated): gnomAD 0.00001; gnomAD exomes 0.00001 and 0.00002; TOPMed 0.00001; ExAC 0.00003.
gnomAD v4.1: 12 of 1,613,954 alleles (0.00074%); highest among the groups gnomAD compares: Non-Finnish European, 0.001%; no homozygotes.

Submission:

Labcorp Genetics (formerly Invitae), Labcorp
Classification: Uncertain significance for Curry-Hall syndrome; Ellis-van Creveld syndrome. Last evaluated: 2021-09-01. Review status: criteria provided, single submitter. Criteria: Invitae Variant Classification Sherloc (09022015). Collection method: clinical testing. Allele origin: germline.
Comment: This sequence change replaces glutamine with histidine at codon 808 of the EVC2 protein (p.Gln808His). The glutamine residue is highly conserved and there is a small physicochemical difference between glutamine and histidine. This variant is present in population databases (rs541956407, ExAC 0.005%). This variant has not been reported in the literature in individuals affected with EVC2-related conditions. Algorithms developed to predict the effect of missense changes on protein structure and function are either unavailable or do not agree on the potential impact of this missense change (SIFT: "Tolerated"; PolyPhen-2: "Possibly Damaging"; Align-GVGD: "Class C0"). In summary, the available evidence is currently insufficient to determine the role of this variant in disease. Therefore, it has been classified as a Variant of Uncertain Significance.